The following is an entry in ClinVar:

NM_000091.5(COL4A3):c.1354G>T (p.Gly452Ter)

Genes: COL4A3 (collagen type IV alpha 3 chain; plus strand), MFF-DT (MFF divergent transcript; minus strand). Cytogenetic location: 2q36.3.
Variant type: single nucleotide variant.
Coding change: c.1354G>T on transcript NM_000091.5 (MANE Select); coding-DNA position 1354, G replaced by T.
Protein change: p.Gly452Ter; replaces glycine 452 with a stop codon.
Molecular consequence: nonsense.
Genome position (GRCh38, 1-based): chr2:227,266,455, G>T. VCF-style: chr2-227266455-G-T. GRCh37 (hg19) VCF-style: chr2-228131171-G-T.
Other names: short protein forms G452*.
Identifiers: ClinVar variation 5012415 (VCV005012415.1).
Genomic context (GRCh38, chr2:227,266,455, plus strand): 5'-CTTTGGTGCTGTATTTTTATAGGTGACATCGTTTTTCGCAAGGGTCCACCTGGAGATCAC[G>T]GACTGCCAGGCTATCTAGGGTCTCCAGGAATCCCAGGAGTTGATGGGCCCAAAGGTTGGT-3'

ClinVar aggregate classification (germline): Pathogenic (1 of 4 stars; one submission).

Conditions:
Alport syndrome. Also called: Hemorrhagic familial nephritis; Hemorrhagic hereditary nephritis; Congenital hereditary hematuria. Identifiers: Orphanet 63, MedGen C1567741, MONDO:0018965.

gnomAD v4.1: 1 of 1,614,058 alleles (0.000062%); highest among the groups gnomAD compares: Non-Finnish European, 0.000085%; no homozygotes.

Submission:

Myriad Genetics, Inc.
Classification: Pathogenic for Alport syndrome. Last evaluated: 2023-10-22. Review status: criteria provided, single submitter. Criteria: Myriad Autosomal Dominant, Autosomal Recessive and X-Linked Classification Criteria (2023). Collection method: clinical testing. Allele origin: unknown.
Comment: NM_000091.4(COL4A3):c.1354G>T(G452*) is expected to be pathogenic in the context of Alport syndrome, COL4A3-related. This variant is predicted to lead to an abnormal or absent protein product due to the creation of a premature termination codon in COL4A3, a gene where loss-of-function variants are known to be pathogenic. Please note: this variant was assessed in the context of healthy population screening.